The following is an entry in ClinVar:

NM_015465.5(GEMIN5):c.2013G>T (p.Arg671=)

Gene: GEMIN5 (gem nuclear organelle associated protein 5; minus strand). Cytogenetic location: 5q33.2.
Variant type: single nucleotide variant.
Coding change: c.2013G>T on transcript NM_015465.5 (MANE Select); coding-DNA position 2013, G replaced by T.
Protein change: p.Arg671=; no amino-acid change (arginine 671 retained).
Molecular consequence: synonymous variant.
Genome position (GRCh38, 1-based): chr5:154,911,881, C>A on the plus strand (G>T on the coding strand, the complement: GEMIN5 is on the minus strand). VCF-style: chr5-154911881-C-A. GRCh37 (hg19) VCF-style: chr5-154291441-C-A.
Other names: c.2010G>T, p.Arg670= (NM_001252156.2).
Identifiers: ClinVar variation 3771548 (VCV003771548.13).

ClinVar aggregate classification (germline): Likely benign (1 of 4 stars; one submission).

gnomAD v4.1: 163 of 1,613,916 alleles (0.01%); highest among the groups gnomAD compares: East Asian, 0.33%; 1 homozygote.

Submission:

CeGaT Center for Human Genetics Tuebingen
Classification: Likely benign. Last evaluated: 2025-01-01. Review status: criteria provided, single submitter. Criteria: CeGaT Center For Human Genetics Tuebingen Variant Classification Criteria Version 2. Collection method: clinical testing. Allele origin: germline. Affected: yes. Observed: 1 variant allele.
Comment: GEMIN5: BP4, BP7